The following is an entry in ClinVar:

NM_018429.3(BDP1):c.5543G>C (p.Arg1848Pro)

Gene: BDP1 (BDP1 general transcription factor IIIB subunit; plus strand). Cytogenetic location: 5q13.2.
Variant type: single nucleotide variant.
Coding change: c.5543G>C on transcript NM_018429.3 (MANE Select); coding-DNA position 5543, G replaced by C.
Protein change: p.Arg1848Pro; replaces arginine 1848 with proline.
Molecular consequence: missense variant.
Genome position (GRCh38, 1-based): chr5:71,524,094, G>C. VCF-style: chr5-71524094-G-C. GRCh37 (hg19) VCF-style: chr5-70819921-G-C.
Other names: p.Arg1848Pro; short protein forms R1848P.
Identifiers: ClinVar variation 1727213 (VCV001727213.3), dbSNP rs1765645980, ClinGen allele CA360015289.

ClinVar aggregate classification (germline): Uncertain significance (1 of 4 stars; one submission).

Conditions:
Hearing loss, autosomal recessive 112. Also called: DEAFNESS, AUTOSOMAL RECESSIVE 112. Identifiers: MedGen C4748855, MONDO:0032639, OMIM 618257.

Submission:

Foundation for Research in Genetics and Endocrinology, FRIGE's Institute of Human Genetics
Classification: Uncertain significance for Hearing loss, autosomal recessive 112. Last evaluated: 2022-09-26. Review status: criteria provided, single submitter. Criteria: ACMG Guidelines, 2015. Collection method: clinical testing. Allele origin: germline. Inheritance: Autosomal recessive inheritance. Affected: yes. Observed: 1 heterozygote.
Comment: A heterozygous missense variation in exon 25 of the BDP1 gene that results in the amino acid substitution of Proline for Arginine at codon 1848 was detected . The p.Arg1848Pro variant has not been reported in the 1000 genomes and gnomAD databases. The in silico predictions# of the variant are probably damaging by PolyPhen-2 (HumDiv), damaging by SIFT and LRT. The reference codon is conserved across mammals.In summary, the variant meets our criteria to be classified as a variant of uncertain significance.